The following is an entry in ClinVar:

ClinVar aggregate classification (germline): Uncertain significance. Review status: criteria provided, single submitter (1 of 4 stars). 2 submissions from 2 submitters: Uncertain significance (1). 1 of the submissions does not count toward it. Last evaluated 2024-08-31.

Conditions:
Finnish congenital nephrotic syndrome (NPHS1). Also called: NEPHROTIC SYNDROME, TYPE 1. Identifiers: Orphanet 839, MedGen C0403399, MONDO:0009732, OMIM 256300.

Allele frequency attached by ClinVar (database versions not stated): gnomAD exomes below 0.00001.
gnomAD v4.1: 1 of 1,614,124 alleles (0.000062%); highest among the groups gnomAD compares: Non-Finnish European, 0.000085%; no homozygotes.

Submissions (2):

Labcorp Genetics (formerly Invitae), Labcorp
Classification: Uncertain significance. Last evaluated: 2024-08-31. Review status: criteria provided, single submitter. Criteria: Invitae Variant Classification Sherloc (09022015). Collection method: clinical testing. Allele origin: germline.
Comment: This sequence change replaces alanine, which is neutral and non-polar, with threonine, which is neutral and polar, at codon 907 of the NPHS1 protein (p.Ala907Thr). This variant is not present in population databases (gnomAD no frequency). This missense change has been observed in individual(s) with nephrotic syndrome (PMID: 12707396). ClinVar contains an entry for this variant (Variation ID: 556357). Invitae Evidence Modeling of protein sequence and biophysical properties (such as structural, functional, and spatial information, amino acid conservation, physicochemical variation, residue mobility, and thermodynamic stability) indicates that this missense variant is expected to disrupt NPHS1 protein function with a positive predictive value of 80%. In summary, the available evidence is currently insufficient to determine the role of this variant in disease. Therefore, it has been classified as a Variant of Uncertain Significance.

Counsyl
Classification: Uncertain significance for Finnish congenital nephrotic syndrome. Last evaluated: 2018-01-26. Review status: no assertion criteria provided. Collection method: clinical testing. Allele origin: unknown. Not counted in ClinVar's aggregate classification.

Literature cited by the submitters: PubMed 12707396 (cited by Labcorp Genetics (formerly Invitae), Labcorp and Counsyl).

NM_004646.4(NPHS1):c.2719G>A (p.Ala907Thr)

Gene: NPHS1 (NPHS1 adhesion molecule, nephrin; minus strand). Cytogenetic location: 19q13.12.
Variant type: single nucleotide variant.
Coding change: c.2719G>A on transcript NM_004646.4 (MANE Select); coding-DNA position 2719, G replaced by A.
Protein change: p.Ala907Thr; replaces alanine 907 with threonine.
Molecular consequence: missense variant.
Genome position (GRCh38, 1-based): chr19:35,841,811, C>T on the plus strand (G>A on the coding strand, the complement: NPHS1 is on the minus strand). VCF-style: chr19-35841811-C-T. GRCh37 (hg19) VCF-style: chr19-36332713-C-T.
Other names: short protein forms A907T.
Identifiers: ClinVar variation 556357 (VCV000556357.4), dbSNP rs1555761935, ClinGen allele CA405390081.
Genomic context (GRCh38, chr19:35,841,811, plus strand): 5'-CAAGGGCGTTGGTGGCTGTACATGTGAAGAGGGCGTAATCCTGGGCGGCAGACACGTTGG[C>T]AATGGTCAGGAGGCTGCTGTGGACACCACCCTGGTGGTATGTGTGCTCCGTGTACCTAGA-3'
Protein context (NP_004637.1, residues 897-917): GGVHSSLLTI[Ala907Thr]NVSAAQDYAL